The following is an entry in ClinVar:

NM_000538.4(RFXAP):c.398G>T (p.Gly133Val)

Genes: RFXAP (regulatory factor X associated protein; plus strand), LOC130009574 (ATAC-STARR-seq lymphoblastoid active region 7589; plus strand). Cytogenetic location: 13q13.3.
Variant type: single nucleotide variant.
Coding change: c.398G>T on transcript NM_000538.4 (MANE Select); coding-DNA position 398, G replaced by T.
Protein change: p.Gly133Val; replaces glycine 133 with valine.
Molecular consequence: missense variant.
Genome position (GRCh38, 1-based): chr13:36,819,755, G>T. VCF-style: chr13-36819755-G-T. GRCh37 (hg19) VCF-style: chr13-37393892-G-T.
Other names: short protein forms G133V.
Identifiers: ClinVar variation 1022665 (VCV001022665.5), dbSNP rs936769962, ClinGen allele CA248179642.

ClinVar aggregate classification (germline): Uncertain significance (1 of 4 stars; one submission).

Conditions:
MHC class II deficiency. Also called: BLS, TYPE II; Bare lymphocyte syndrome 2. Identifiers: Orphanet 572, MedGen C5447452, MONDO:0008855.

Allele frequency attached by ClinVar (database versions not stated): gnomAD exomes 0.00001 and 0.00002; TOPMed 0.00001.
gnomAD v4.1: 25 of 1,555,908 alleles (0.0016%); highest among the groups gnomAD compares: Non-Finnish European, 0.0021%; no homozygotes.

Submission:

Labcorp Genetics (formerly Invitae), Labcorp
Classification: Uncertain significance for MHC class II deficiency. Last evaluated: 2023-10-03. Review status: criteria provided, single submitter. Criteria: Invitae Variant Classification Sherloc (09022015). Collection method: clinical testing. Allele origin: germline.
Comment: This sequence change replaces glycine, which is neutral and non-polar, with valine, which is neutral and non-polar, at codon 133 of the RFXAP protein (p.Gly133Val). This variant is present in population databases (no rsID available, gnomAD 0.002%). This variant has not been reported in the literature in individuals affected with RFXAP-related conditions. ClinVar contains an entry for this variant (Variation ID: 1022665). Advanced modeling of protein sequence and biophysical properties (such as structural, functional, and spatial information, amino acid conservation, physicochemical variation, residue mobility, and thermodynamic stability) performed at Invitae indicates that this missense variant is not expected to disrupt RFXAP protein function. In summary, the available evidence is currently insufficient to determine the role of this variant in disease. Therefore, it has been classified as a Variant of Uncertain Significance.